The following is an entry in ClinVar:

NM_013339.4(ALG6):c.681-6T>G

Gene: ALG6 (ALG6 alpha-1,3-glucosyltransferase; plus strand). Cytogenetic location: 1p31.3.
Variant type: single nucleotide variant.
Coding change: c.681-6T>G on transcript NM_013339.4 (MANE Select); 6 bases into the intron before coding-DNA position 681, T replaced by G.
Molecular consequence: intron variant.
Genome position (GRCh38, 1-based): chr1:63,411,920, T>G. VCF-style: chr1-63411920-T-G. GRCh37 (hg19) VCF-style: chr1-63877591-T-G.
Identifiers: ClinVar variation 2088260 (VCV002088260.4), dbSNP rs2523750177, ClinGen allele CA2580063200.

ClinVar aggregate classification (germline): Uncertain significance (1 of 4 stars; one submission).

Conditions:
ALG6-congenital disorder of glycosylation 1C (CDG1C). Also called: CARBOHYDRATE-DEFICIENT GLYCOPROTEIN SYNDROME, TYPE I, WITH DEFICIENT GLYCOSYLATION OF DOLICHOL-LINKED OLIGOSACCHARIDE; CARBOHYDRATE-DEFICIENT GLYCOPROTEIN SYNDROME, TYPE V; CDG Ic; Congenital disorder of glycosylation, type Ic; Congenital disorder of glycosylation type 1C. Identifiers: Orphanet 79320, MedGen C2930997, MONDO:0011291, OMIM 603147.

Submission:

Labcorp Genetics (formerly Invitae), Labcorp
Classification: Uncertain significance for ALG6-congenital disorder of glycosylation 1C. Last evaluated: 2022-01-27. Review status: criteria provided, single submitter. Criteria: Invitae Variant Classification Sherloc (09022015). Collection method: clinical testing. Allele origin: germline.
Comment: In summary, the available evidence is currently insufficient to determine the role of this variant in disease. Therefore, it has been classified as a Variant of Uncertain Significance. Algorithms developed to predict the effect of sequence changes on RNA splicing suggest that this variant may disrupt the consensus splice site. This variant has not been reported in the literature in individuals affected with ALG6-related conditions. This variant is not present in population databases (gnomAD no frequency). This sequence change falls in intron 8 of the ALG6 gene. It does not directly change the encoded amino acid sequence of the ALG6 protein.